The following is an entry in ClinVar:

NM_002485.5(NBN):c.700C>T (p.Gln234Ter)

Gene: NBN (nibrin; minus strand). Cytogenetic location: 8q21.3.
Variant type: single nucleotide variant.
Coding change: c.700C>T on transcript NM_002485.5 (MANE Select); coding-DNA position 700, C replaced by T.
Protein change: p.Gln234Ter; replaces glutamine 234 with a stop codon.
Molecular consequence: nonsense.
Genome position (GRCh38, 1-based): chr8:89,971,175, G>A on the plus strand (C>T on the coding strand, the complement: NBN is on the minus strand). VCF-style: chr8-89971175-G-A. GRCh37 (hg19) VCF-style: chr8-90983403-G-A.
Other names: c.454C>T, p.Gln152Ter (NM_001024688.3); short protein forms Q152*, Q234*.
Identifiers: ClinVar variation 2792660 (VCV002792660.3), dbSNP rs1811498255, ClinGen allele CA371658922.

ClinVar aggregate classification (germline): Pathogenic (1 of 4 stars; one submission).

Conditions:
Microcephaly, normal intelligence and immunodeficiency (NBS). Also called: Nijmegen breakage syndrome; Microcephaly with normal intelligence immunodeficiency and lymphoreticular malignancies; Nonsyndromal microcephaly autosomal recessive with normal intelligence; Seemanova syndrome 2; SEEMANOVA SYNDROME II; Ataxia telangiectasia variant V1. Identifiers: Orphanet 647, MedGen C0398791, MONDO:0009623, OMIM 251260.

Submission:

Labcorp Genetics (formerly Invitae), Labcorp
Classification: Pathogenic for Microcephaly, normal intelligence and immunodeficiency. Last evaluated: 2023-10-16. Review status: criteria provided, single submitter. Criteria: Invitae Variant Classification Sherloc (09022015). Collection method: clinical testing. Allele origin: germline.
Comment: This sequence change creates a premature translational stop signal (p.Gln234*) in the NBN gene. It is expected to result in an absent or disrupted protein product. Loss-of-function variants in NBN are known to be pathogenic (PMID: 9590180, 16415040). This variant is not present in population databases (gnomAD no frequency). This variant has not been reported in the literature in individuals affected with NBN-related conditions. For these reasons, this variant has been classified as Pathogenic.

Literature cited by the submitters: PubMed 9590180; PubMed 16415040.